The following is an entry in ClinVar:

NM_004064.5(CDKN1B):c.244G>A (p.Gly82Ser)

Gene: CDKN1B (cyclin dependent kinase inhibitor 1B; plus strand). Cytogenetic location: 12p13.1.
Variant type: single nucleotide variant.
Coding change: c.244G>A on transcript NM_004064.5 (MANE Select); coding-DNA position 244, G replaced by A.
Protein change: p.Gly82Ser; replaces glycine 82 with serine.
Molecular consequence: missense variant.
Genome position (GRCh38, 1-based): chr12:12,718,083, G>A. VCF-style: chr12-12718083-G-A. GRCh37 (hg19) VCF-style: chr12-12871017-G-A.
Other names: short protein forms G82S.
Identifiers: ClinVar variation 4224743 (VCV004224743.1).

ClinVar aggregate classification (germline): Uncertain significance (1 of 4 stars; one submission).

Conditions:
Hereditary cancer-predisposing syndrome. Also called: Hereditary Cancer Syndrome; Hereditary neoplastic syndrome; Neoplastic Syndromes, Hereditary; Tumor predisposition. Identifiers: Orphanet 140162, MedGen C0027672, MeSH D009386, MONDO:0015356.

gnomAD v4.1: 3 of 1,614,232 alleles (0.00019%); highest among the groups gnomAD compares: Non-Finnish European, 0.00025%; no homozygotes.

Submission:

Ambry Genetics
Classification: Uncertain significance for Hereditary cancer-predisposing syndrome. Last evaluated: 2025-06-19. Review status: criteria provided, single submitter. Criteria: Ambry Variant Classification Scheme 2023. Collection method: clinical testing. Allele origin: germline.
Comment: The p.G82S variant (also known as c.244G>A), located in coding exon 1 of the CDKN1B gene, results from a G to A substitution at nucleotide position 244. The glycine at codon 82 is replaced by serine, an amino acid with similar properties. This amino acid position is conserved. In addition, this alteration is predicted to be tolerated by in silico analysis. Based on the available evidence, the clinical significance of this variant remains unclear.